The following is an entry in ClinVar:

NM_000593.6(TAP1):c.1772T>C (p.Phe591Ser)

Gene: TAP1 (transporter 1, ATP binding cassette subfamily B member; minus strand). Cytogenetic location: 6p21.32.
Variant type: single nucleotide variant.
Coding change: c.1772T>C on transcript NM_000593.6 (MANE Select); coding-DNA position 1772, T replaced by C.
Protein change: p.Phe591Ser; replaces phenylalanine 591 with serine.
Molecular consequence: missense variant.
Genome position (GRCh38, 1-based): chr6:32,847,644, A>G on the plus strand (T>C on the coding strand, the complement: TAP1 is on the minus strand). VCF-style: chr6-32847644-A-G. GRCh37 (hg19) VCF-style: chr6-32815421-A-G.
Other names: c.1169T>C, p.Phe390Ser (NM_001292022.2); short protein forms F390S, F651S, F591S.
Identifiers: ClinVar variation 852809 (VCV000852809.7), dbSNP rs994202939, ClinGen allele CA363591258.
Genomic context (GRCh38, chr6:32,847,644, plus strand): 5'-TCCTCCATAGTTGGCTTCTGGGTCAGGCCATAGGCAATATTTTCTTGAAGACTTCTTCCA[A>G]ATACCTGTGGCTCTTGTCCCACTGCAGCCACCTGAGATGAAATATGATGAAGAGTCATAG-3'
Protein context (NP_000584.3, residues 581-601): VAAVGQEPQV[Phe591Ser]GRSLQENIAY

ClinVar aggregate classification (germline): Uncertain significance (1 of 4 stars; one submission).

Conditions:
MHC class I deficiency. Identifiers: Orphanet 34592, MedGen C6024714, MONDO:0011476.

Allele frequency attached by ClinVar (database versions not stated): TOPMed below 0.00001; gnomAD exomes below 0.00001; gnomAD 0.00001 and 0.00002.
gnomAD v4.1: 5 of 1,612,716 alleles (0.00031%); highest among the groups gnomAD compares: African/African-American, 0.0067%; no homozygotes.

Submission:

Labcorp Genetics (formerly Invitae), Labcorp
Classification: Uncertain significance for MHC class I deficiency 1. Last evaluated: 2021-09-02. Review status: criteria provided, single submitter. Criteria: Invitae Variant Classification Sherloc (09022015). Collection method: clinical testing. Allele origin: germline.
Comment: This sequence change replaces phenylalanine with serine at codon 651 of the TAP1 protein (p.Phe651Ser). The phenylalanine residue is highly conserved and there is a large physicochemical difference between phenylalanine and serine. This variant is not present in population databases (ExAC no frequency). This variant has not been reported in the literature in individuals affected with TAP1-related conditions. Algorithms developed to predict the effect of missense changes on protein structure and function are either unavailable or do not agree on the potential impact of this missense change (SIFT: "Deleterious"; PolyPhen-2: "Probably Damaging"; Align-GVGD: "Class C0"). In summary, the available evidence is currently insufficient to determine the role of this variant in disease. Therefore, it has been classified as a Variant of Uncertain Significance.